The following is an entry in ClinVar:

ClinVar aggregate classification (germline): Uncertain significance (1 of 4 stars; one submission).

Conditions:
Inborn genetic diseases. Identifiers: MedGen C0950123, MeSH D030342.

Allele frequency attached by ClinVar (database versions not stated): gnomAD 0.00001; gnomAD exomes 0.00001; TOPMed 0.00001.
gnomAD v4.1: 4 of 1,614,100 alleles (0.00025%); highest among the groups gnomAD compares: African/African-American, 0.004%; no homozygotes.

Submission:

Ambry Genetics
Classification: Uncertain significance for Inborn genetic diseases. Last evaluated: 2023-09-07. Review status: criteria provided, single submitter. Criteria: Ambry Variant Classification Scheme 2023. Collection method: clinical testing. Allele origin: germline.
Comment: The p.R2142G variant (also known as c.6424A>G), located in coding exon 44 of the LRRK2 gene, results from an A to G substitution at nucleotide position 6424. The arginine at codon 2142 is replaced by glycine, an amino acid with dissimilar properties. This amino acid position is conserved. In addition, the in silico prediction for this alteration is inconclusive. Since supporting evidence is limited at this time, the clinical significance of this alteration remains unclear.

NM_198578.4(LRRK2):c.6424A>G (p.Arg2142Gly)

Gene: LRRK2 (leucine rich repeat kinase 2; plus strand). Cytogenetic location: 12q12.
Variant type: single nucleotide variant.
Coding change: c.6424A>G on transcript NM_198578.4 (MANE Select); coding-DNA position 6424, A replaced by G.
Protein change: p.Arg2142Gly; replaces arginine 2142 with glycine.
Molecular consequence: missense variant.
Genome position (GRCh38, 1-based): chr12:40,351,581, A>G. VCF-style: chr12-40351581-A-G. GRCh37 (hg19) VCF-style: chr12-40745383-A-G.
Other names: short protein forms R2142G.
Identifiers: ClinVar variation 1753449 (VCV001753449.3), dbSNP rs1014412473, ClinGen allele CA235343542.